The following is an entry in ClinVar:

ClinVar aggregate classification (germline): Uncertain significance (1 of 4 stars; one submission).

Allele frequency attached by ClinVar (database versions not stated): TOPMed below 0.00001.

Submission:

Labcorp Genetics (formerly Invitae), Labcorp
Classification: Uncertain significance. Last evaluated: 2023-07-17. Review status: criteria provided, single submitter. Criteria: Invitae Variant Classification Sherloc (09022015). Collection method: clinical testing. Allele origin: germline.
Comment: This sequence change replaces tyrosine, which is neutral and polar, with cysteine, which is neutral and slightly polar, at codon 1386 of the FAT4 protein (p.Tyr1386Cys). In summary, the available evidence is currently insufficient to determine the role of this variant in disease. Therefore, it has been classified as a Variant of Uncertain Significance. Advanced modeling of protein sequence and biophysical properties (such as structural, functional, and spatial information, amino acid conservation, physicochemical variation, residue mobility, and thermodynamic stability) performed at Invitae indicates that this missense variant is expected to disrupt FAT4 protein function. ClinVar contains an entry for this variant (Variation ID: 1943542). This variant has not been reported in the literature in individuals affected with FAT4-related conditions. This variant is present in population databases (no rsID available, gnomAD 0.006%).

NM_001291303.3(FAT4):c.4157A>G (p.Tyr1386Cys)

Gene: FAT4 (FAT atypical cadherin 4; plus strand). Cytogenetic location: 4q28.1.
Variant type: single nucleotide variant.
Coding change: c.4157A>G on transcript NM_001291303.3 (MANE Select); coding-DNA position 4157, A replaced by G.
Protein change: p.Tyr1386Cys; replaces tyrosine 1386 with cysteine.
Molecular consequence: missense variant.
Genome position (GRCh38, 1-based): chr4:125,320,568, A>G. VCF-style: chr4-125320568-A-G. GRCh37 (hg19) VCF-style: chr4-126241723-A-G.
Other names: c.4157A>G, p.Tyr1386Cys (NM_001291285.3, NM_024582.6); short protein forms Y1386C.
Identifiers: ClinVar variation 1943542 (VCV001943542.5), dbSNP rs1306202289, ClinGen allele CA358125808.
Genomic context (GRCh38, chr4:125,320,568, plus strand): 5'-GCCCAAACACTGGGAGTATTTTTCTTGCCAAAAAACTGGACTTTGAAACACAGTCTTTGT[A>G]TAAATTAAATATAACAGCAAAAGACCAAGGAAGACCTCCTCGTTCATCTACAATGTCAGT-3'
Protein context (NP_001278232.1, residues 1376-1396): KKLDFETQSL[Tyr1386Cys]KLNITAKDQG